The following is an entry in ClinVar:

NM_014208.3(DSPP):c.2856dup (p.Ser953Ter)

Genes: DMP1-AS1 (DMP1 and DSPP antisense RNA 1; minus strand), DSPP (dentin sialophosphoprotein; plus strand). Cytogenetic location: 4q22.1.
Variant type: Duplication.
Coding change: c.2856dup on transcript NM_014208.3 (MANE Select); coding-DNA position 2856, one base duplicated (T; older notation c.2856dupT).
Protein change: p.Ser953Ter; replaces serine 953 with a stop codon.
Molecular consequence: nonsense.
Genome position (GRCh38, 1-based): chr4:87,615,518, T duplicated. VCF-style (leftmost placement, unchanged base first): chr4-87615517-A-AT. GRCh37 (hg19) VCF-style: chr4-88536669-A-AT.
Other names: short protein forms S953*.
Identifiers: ClinVar variation 4879718 (VCV004879718.1).
Genomic context (GRCh38, chr4:87,615,517, plus strand): 5'-ACAGCAATAGCAGTGACAGCAGCAACAGCAGTGACAGCAGTGATAGCAGTGACAGCAGTA[A>AT]TAGTAGTGACAGCAGCAATAGCAGTGACAGCAGCAACAGCAGTGACAGCAGTGATAGCAA-3'

ClinVar aggregate classification (germline): Uncertain significance (1 of 4 stars; one submission).

Conditions:
Deafness, autosomal dominant 39, with dentinogenesis imperfecta 1. Also called: DFNA39/DENTINOGENESIS IMPERFECTA 1 SYNDROME; DFNA39/DGI1 SYNDROME; DGI1/DFNA39 SYNDROME. Identifiers: Orphanet 166260, MedGen C1854146, MONDO:0011571, OMIM 605594.

Submission:

Victorian Clinical Genetics Services, Murdoch Childrens Research Institute
Classification: Uncertain significance for Deafness, autosomal dominant 39, with dentinogenesis imperfecta 1. Last evaluated: 2026-07-07. Review status: criteria provided, single submitter. Criteria: ACMG Guidelines, 2015. Collection method: clinical testing. Allele origin: germline. Affected: yes.
Comment: This variant is classified as VUS-3B. Evidence in support of pathogenic classification: Variant is predicted to result in a truncated protein (premature termination codon is NOT located at least 54 nucleotides upstream of the final exon-exon junction) with less than 1/3 of the protein sequence affected; Variant is absent from gnomAD (v4). Additional information: This variant is heterozygous; This gene is associated with autosomal dominant disease. Missense variants located in a mutational hotspot (p.Ala15-p.Val18) or splice variants causing exon 3 skipping are associated with deafness, autosomal dominant 39, with dentinogenesis (MIM#605594), and dentinogenesis imperfecta, Shields type III (MIM#125500) (PMIDs: 22392858, 26788535). Frameshift variants starting in the last exon, and protein extension variants are associated with dentin dysplasia, type II (MIM#125420) and dentinogenesis imperfecta, Shields type II (MIM#125490) (PMIDs: 22392858, 26788535); This variant has no previous evidence of pathogenicity; No published evidence of segregation with disease has been identified for this variant; No published functional evidence has been identified for this variant; Other truncating variants comparable to the one identified in this case have conflicting previous evidence for pathogenicity. Downstream truncating variants have been classified as VUS by clinical laboratories in ClinVar, and reported in the literature in individuals with hearing loss (PMIDs: 31541171, 25342930), dentinogenesis imperfecta (PMID: 26502894), and dentin dysplasia (PMID: 2094960); Dominant negative is a known mechanism of disease in this gene and is associated with DSPP-related conditions. Functional studies have shown that the secretion of wild type DSPP protein in HEK293 cells was inhibited by the co-expression of DSPP with pathogenic missense or frameshift variants (PMIDs: 22392858, 26788535); Inheritance information for this variant is not currently available in this individual.

Literature cited by the submitters: PubMed 31541171; PubMed 2094960; PubMed 22392858; PubMed 25342930; PubMed 26788535; PubMed 26502894.